The following is an entry in ClinVar:

ClinVar aggregate classification (germline): Conflicting classifications of pathogenicity. Review status: criteria provided, conflicting classifications (1 of 4 stars). 2 submissions from 2 submitters: Uncertain significance (1); Likely benign (1). Last evaluated 2023-03-23.

Conditions:
Hereditary cancer-predisposing syndrome. Also called: Neoplastic Syndromes, Hereditary; Hereditary Cancer Syndrome; Tumor predisposition; Hereditary neoplastic syndrome. Identifiers: Orphanet 140162, MedGen C0027672, MeSH D009386, MONDO:0015356.
Hereditary breast ovarian cancer syndrome. Also called: Hereditary breast and ovarian cancer syndrome; Hereditary breast and ovarian cancer syndrome (HBOC); BRCA1- and BRCA2-Associated Hereditary Breast and Ovarian Cancer; Hereditary breast and ovarian cancer; Hereditary breast and/or ovarian cancer syndrome; Breast and ovarian cancer. Identifiers: Orphanet 145, MedGen C0677776, MeSH D061325, MONDO:0003582. Disease mechanism: loss of function.

Submissions (2):

University of Washington Department of Laboratory Medicine, University of Washington
Classification: Likely benign for Hereditary cancer-predisposing syndrome. Last evaluated: 2023-03-23. Review status: criteria provided, single submitter. Criteria: Dines et al. (Genet Med. 2020). Collection method: curation. Allele origin: germline.
Comment: Missense variant in a coldspot region where missense variants are very unlikely to be pathogenic (PMID:31911673).

BRCA2 exon 11 coldspot. Reclassification based on statistical prior probability.

Labcorp Genetics (formerly Invitae), Labcorp
Classification: Uncertain significance for Hereditary breast ovarian cancer syndrome. Last evaluated: 2020-10-27. Review status: criteria provided, single submitter. Criteria: Invitae Variant Classification Sherloc (09022015). Collection method: clinical testing. Allele origin: germline.
Comment: In summary, the available evidence is currently insufficient to determine the role of this variant in disease. Therefore, it has been classified as a Variant of Uncertain Significance. Advanced modeling of protein sequence and biophysical properties (such as structural, functional, and spatial information, amino acid conservation, physicochemical variation, residue mobility, and thermodynamic stability) performed at Invitae indicates that this missense variant is not expected to disrupt BRCA2 protein function. This variant has not been reported in the literature in individuals with BRCA2-related conditions. This variant is not present in population databases (ExAC no frequency). This sequence change replaces glutamic acid with lysine at codon 732 of the BRCA2 protein (p.Glu732Lys). The glutamic acid residue is weakly conserved and there is a small physicochemical difference between glutamic acid and lysine.

NM_000059.4(BRCA2):c.2194G>A (p.Glu732Lys)

Gene: BRCA2 (BRCA2 DNA repair associated; plus strand). Cytogenetic location: 13q13.1.
Variant type: single nucleotide variant.
Coding change: c.2194G>A on transcript NM_000059.4 (MANE Select); coding-DNA position 2194, G replaced by A.
Protein change: p.Glu732Lys; replaces glutamic acid 732 with lysine.
Molecular consequence: missense variant.
Genome position (GRCh38, 1-based): chr13:32,336,549, G>A. VCF-style: chr13-32336549-G-A. GRCh37 (hg19) VCF-style: chr13-32910686-G-A.
Other names: short protein forms E732K.
Identifiers: ClinVar variation 1039403 (VCV001039403.10), dbSNP rs1244303575, ClinGen allele CA387770457.
Genomic context (GRCh38, chr13:32,336,549, plus strand): 5'-CTGCAGGAAGGACAGTGTGAAAATGATCCAAAAAGCAAAAAAGTTTCAGATATAAAAGAA[G>A]AGGTCTTGGCTGCAGCATGTCACCCAGTACAACATTCAAAAGTGGAATACAGTGATACTG-3'
Protein context (NP_000050.3, residues 722-742): KSKKVSDIKE[Glu732Lys]VLAAACHPVQ